The following is an entry in ClinVar:

ClinVar aggregate classification (germline): Likely benign. Review status: criteria provided, multiple submitters, no conflicts (2 of 4 stars). 3 submissions from 3 submitters: Likely benign (3). Last evaluated 2025-12-29.

Conditions:
Hereditary diffuse gastric adenocarcinoma (HDGC). Also called: DIFFUSE GASTRIC AND LOBULAR BREAST CANCER SYNDROME. Identifiers: Orphanet 26106, MedGen C1708349, MONDO:0007648, OMIM 137215.

Allele frequency attached by ClinVar (database versions not stated): gnomAD exomes below 0.00001; TOPMed below 0.00001.
gnomAD v4.1: 2 of 1,585,662 alleles (0.00013%); highest among the groups gnomAD compares: Middle Eastern, 0.017%; no homozygotes.

Submissions (3):

Center for Genomic Medicine, Rigshospitalet, Copenhagen University Hospital
Classification: Likely benign. Last evaluated: 2025-12-29. Review status: criteria provided, single submitter. Criteria: ACMG Guidelines, 2015. Collection method: clinical testing. Allele origin: germline.

Labcorp Genetics (formerly Invitae), Labcorp
Classification: Likely benign. Last evaluated: 2024-10-24. Review status: criteria provided, single submitter. Criteria: Invitae Variant Classification Sherloc (09022015). Collection method: clinical testing. Allele origin: germline.

Myriad Genetics, Inc.
Classification: Likely benign for Hereditary diffuse gastric adenocarcinoma. Last evaluated: 2024-10-15. Review status: criteria provided, single submitter. Criteria: Myriad Autosomal Dominant, Autosomal Recessive and X-Linked Classification Criteria (2023). Collection method: clinical testing. Allele origin: unknown.
Comment: This variant is considered likely benign. This variant is intronic and is not expected to impact mRNA splicing.

NM_001903.5(CTNNA1):c.2193-10C>T

Gene: CTNNA1 (catenin alpha 1; plus strand). Cytogenetic location: 5q31.2.
Variant type: single nucleotide variant.
Coding change: c.2193-10C>T on transcript NM_001903.5 (MANE Select); 10 bases into the intron before coding-DNA position 2193, C replaced by T.
Molecular consequence: intron variant.
Genome position (GRCh38, 1-based): chr5:138,930,820, C>T. VCF-style: chr5-138930820-C-T. GRCh37 (hg19) VCF-style: chr5-138266509-C-T.
Other names: c.2193-10C>T (NM_001323982.2, NM_001323984.2, NM_001290307.3 and 2 more transcripts); c.2100-10C>T (NM_001323986.2); c.1824-10C>T (NM_001290310.3); c.1884-10C>T (NM_001290309.3); c.1083-10C>T (NM_001323996.1, NM_001323993.1, NM_001324005.1 and 17 more transcripts); c.744-10C>T (NM_001324007.1, NM_001324009.1, NM_001324006.1 and 2 more transcripts); c.840-10C>T (NM_001324013.1, NM_001324012.1); c.990-10C>T (NM_001324011.1).
Identifiers: ClinVar variation 1137439 (VCV001137439.11), dbSNP rs1408617933, ClinGen allele CA563498330.